The following is an entry in ClinVar:

NM_022124.6(CDH23):c.5251C>T (p.Pro1751Ser)

Gene: CDH23 (cadherin related 23; plus strand). Cytogenetic location: 10q22.1.
Variant type: single nucleotide variant.
Coding change: c.5251C>T on transcript NM_022124.6 (MANE Select); coding-DNA position 5251, C replaced by T.
Protein change: p.Pro1751Ser; replaces proline 1751 with serine.
Molecular consequence: missense variant.
Genome position (GRCh38, 1-based): chr10:71,779,330, C>T. VCF-style: chr10-71779330-C-T. GRCh37 (hg19) VCF-style: chr10-73539087-C-T.
Other names: c.5251C>T (NM_022124.5); short protein forms P1751S.
Identifiers: ClinVar variation 1516224 (VCV001516224.7), dbSNP rs759313457, ClinGen allele CA5545698.
Genomic context (GRCh38, chr10:71,779,330, plus strand): 5'-CTTGTGAATGTGAATGACATCAACGACAATGTGCCTACCTTCCCCCGGGACTATGAGGGA[C>T]CATTTGAAGTCACTGAGGGCCAGCCGGGGCCCAGAGTGTGGACCTTCCTGGCCCATGACC-3'
Protein context (NP_071407.4, residues 1741-1761): VPTFPRDYEG[Pro1751Ser]FEVTEGQPGP

ClinVar aggregate classification (germline): Uncertain significance. Review status: criteria provided, multiple submitters, no conflicts (2 of 4 stars). 3 submissions from 3 submitters: Uncertain significance (3). Last evaluated 2025-07-08.

Conditions:
Inborn genetic diseases. Identifiers: MedGen C0950123, MeSH D030342.

Allele frequency attached by ClinVar (database versions not stated): gnomAD 0.00002.
gnomAD v4.1: 15 of 1,613,884 alleles (0.00093%); highest among the groups gnomAD compares: Non-Finnish European, 0.0013%; no homozygotes.

Submissions (3):

Ambry Genetics
Classification: Uncertain significance for Inborn genetic diseases. Last evaluated: 2025-07-08. Review status: criteria provided, single submitter. Criteria: Ambry Variant Classification Scheme 2023. Collection method: clinical testing. Allele origin: germline.

GeneDx
Classification: Uncertain significance. Last evaluated: 2024-10-28. Review status: criteria provided, single submitter. Criteria: GeneDx Variant Classification Process June 2021. Collection method: clinical testing. Allele origin: germline. Affected: yes.
Comment: Not observed at significant frequency in large population cohorts (gnomAD); In silico analysis supports that this missense variant has a deleterious effect on protein structure/function; Has not been previously published as pathogenic or benign to our knowledge

Labcorp Genetics (formerly Invitae), Labcorp
Classification: Uncertain significance. Last evaluated: 2021-08-28. Review status: criteria provided, single submitter. Criteria: Invitae Variant Classification Sherloc (09022015). Collection method: clinical testing. Allele origin: germline.
Comment: This sequence change replaces proline with serine at codon 1751 of the CDH23 protein (p.Pro1751Ser). The proline residue is highly conserved and there is a moderate physicochemical difference between proline and serine. This variant is present in population databases (rs759313457, ExAC 0.003%). This variant has not been reported in the literature in individuals affected with CDH23-related conditions. Algorithms developed to predict the effect of missense changes on protein structure and function are either unavailable or do not agree on the potential impact of this missense change (SIFT: "Deleterious"; PolyPhen-2: "Not Available"; Align-GVGD: "Class C65"). In summary, the available evidence is currently insufficient to determine the role of this variant in disease. Therefore, it has been classified as a Variant of Uncertain Significance.